The following is an entry in ClinVar:

NM_001382289.1(FSHB):c.184A>T (p.Arg62Trp)

Genes: ARL14EP-DT (ARL14EP divergent transcript; minus strand), FSHB (follicle stimulating hormone subunit beta; plus strand). Cytogenetic location: 11p14.1.
Variant type: single nucleotide variant.
Coding change: c.184A>T on transcript NM_001382289.1 (MANE Select); coding-DNA position 184, A replaced by T.
Protein change: p.Arg62Trp; replaces arginine 62 with tryptophan.
Molecular consequence: missense variant.
Genome position (GRCh38, 1-based): chr11:30,233,594, A>T. VCF-style: chr11-30233594-A-T. GRCh37 (hg19) VCF-style: chr11-30255141-A-T.
Other names: c.184A>T, p.Arg62Trp (NM_000510.4, NM_001018080.3); short protein forms R62W.
Identifiers: ClinVar variation 1472097 (VCV001472097.6), dbSNP rs1478920056, ClinGen allele CA380084138.

ClinVar aggregate classification (germline): Uncertain significance (1 of 4 stars; one submission).

Submission:

Labcorp Genetics (formerly Invitae), Labcorp
Classification: Uncertain significance. Last evaluated: 2021-08-31. Review status: criteria provided, single submitter. Criteria: Invitae Variant Classification Sherloc (09022015). Collection method: clinical testing. Allele origin: germline.
Comment: This sequence change replaces arginine with tryptophan at codon 62 of the FSHB protein (p.Arg62Trp). The arginine residue is moderately conserved and there is a moderate physicochemical difference between arginine and tryptophan. This variant is not present in population databases (ExAC no frequency). This variant has not been reported in the literature in individuals affected with FSHB-related conditions. Algorithms developed to predict the effect of missense changes on protein structure and function are either unavailable or do not agree on the potential impact of this missense change (SIFT: "Deleterious"; PolyPhen-2: "Possibly Damaging"; Align-GVGD: "Class C0"). In summary, the available evidence is currently insufficient to determine the role of this variant in disease. Therefore, it has been classified as a Variant of Uncertain Significance.